The following is an entry in ClinVar:

NM_003002.4(SDHD):c.14_30del (p.Trp5fs)

Genes: SDHD (succinate dehydrogenase complex subunit D; plus strand), LOC126861339 (BRD4-independent group 4 enhancer GRCh37_chr11:111957035-111958234; plus strand). Cytogenetic location: 11q23.1.
Variant type: Deletion.
Coding change: c.14_30del on transcript NM_003002.4 (MANE Select); coding-DNA positions 14 to 30, 17 bases deleted (GGAGGCTGAGTGCCGTT).
Protein change: p.Trp5fs; shifts the reading frame from tryptophan 5.
Molecular consequence: frameshift variant. On other transcripts: non-coding transcript variant (1).
Genome position (GRCh38, 1-based): chr11:112,086,921-112,086,937, GGAGGCTGAGTGCCGTT deleted; deleting any 17 consecutive bases within chr11:112,086,920-112,086,937 gives the same sequence; the c. name uses the placement nearest the transcript's 3' end. VCF-style (leftmost placement, unchanged base first): chr11-112086919-CTGGAGGCTGAGTGCCGT-C. GRCh37 (hg19) VCF-style: chr11-111957643-CTGGAGGCTGAGTGCCGT-C.
Other names: c.14_30del, p.Trp5fs (NM_001276503.2, NM_001276504.2, NM_001276506.2); short protein forms W5fs.
Identifiers: ClinVar variation 2922271 (VCV002922271.3), dbSNP rs2498895509, ClinGen allele CA2740090835.

ClinVar aggregate classification (germline): Pathogenic (1 of 4 stars; one submission).

Conditions:
Cowden syndrome 3 (CWS3). Identifiers: Orphanet 201, MedGen CN166604, MONDO:0014045.
Carney-Stratakis syndrome. Also called: PARAGANGLIOMA AND GASTROINTESTINAL STROMAL TUMOR. Identifiers: Orphanet 97286, MedGen C1847319, MONDO:0011740, OMIM 606864.
Paragangliomas with sensorineural hearing loss. Identifiers: MedGen C1868633.
Pheochromocytoma. Also called: MAX-Related Hereditary Paraganglioma-Pheochromocytoma Syndrome. Identifiers: Orphanet 29072, MedGen C0031511, MONDO:0008233, OMIM 171300, HP:0002666.

Submission:

Labcorp Genetics (formerly Invitae), Labcorp
Classification: Pathogenic for Carney-Stratakis syndrome; Paragangliomas with sensorineural hearing loss; Pheochromocytoma; Cowden syndrome 3. Last evaluated: 2024-01-18. Review status: criteria provided, single submitter. Criteria: Invitae Variant Classification Sherloc (09022015). Collection method: clinical testing. Allele origin: germline.
Comment: This sequence change creates a premature translational stop signal (p.Trp5Leufs*58) in the SDHD gene. It is expected to result in an absent or disrupted protein product. Loss-of-function variants in SDHD are known to be pathogenic (PMID: 19454582, 19802898). This variant is not present in population databases (gnomAD no frequency). This variant has not been reported in the literature in individuals affected with SDHD-related conditions. For these reasons, this variant has been classified as Pathogenic.

Literature cited by the submitters: PubMed 19454582; PubMed 19802898.